The following is an entry in ClinVar:

NM_001042492.3(NF1):c.452A>G (p.Asn151Ser)

Gene: NF1 (neurofibromin 1; plus strand). Cytogenetic location: 17q11.2.
Variant type: single nucleotide variant.
Coding change: c.452A>G on transcript NM_001042492.3 (MANE Select); coding-DNA position 452, A replaced by G.
Protein change: p.Asn151Ser; replaces asparagine 151 with serine.
Molecular consequence: missense variant.
Genome position (GRCh38, 1-based): chr17:31,163,349, A>G. VCF-style: chr17-31163349-A-G. GRCh37 (hg19) VCF-style: chr17-29490367-A-G.
Other names: c.452A>G, p.Asn151Ser (NM_000267.4, NM_001128147.3); short protein forms N151S.
Identifiers: ClinVar variation 570300 (VCV000570300.15), dbSNP rs1567817981, ClinGen allele CA398982084.

ClinVar aggregate classification (germline): Conflicting classifications of pathogenicity. Review status: criteria provided, conflicting classifications (1 of 4 stars). 4 submissions from 4 submitters: Uncertain significance (3); Likely benign (1). Last evaluated 2026-01-31.

Conditions:
Café-au-lait macules with pulmonary stenosis (WTSN). Also called: PULMONIC STENOSIS WITH CAFE-AU-LAIT SPOTS. Identifiers: MedGen C0553586, MONDO:0008672, OMIM 193520.
Neurofibromatosis, familial spinal (FSNF). Identifiers: Orphanet 636, MedGen C1834235, MONDO:0008078, OMIM 162210. Disease mechanism: loss of function.
Juvenile myelomonocytic leukemia (JMML). Also called: LEUKEMIA, JUVENILE MYELOMONOCYTIC, SOMATIC. Identifiers: Orphanet 86834, MedGen C0349639, MONDO:0011908, OMIM 607785, HP:0012209.
Neurofibromatosis-Noonan syndrome (NFNS). Also called: NEUROFIBROMATOSIS WITH NOONAN PHENOTYPE. Identifiers: Orphanet 638, MedGen C2931482, MONDO:0011035, OMIM 601321. Disease mechanism: loss of function.
Neurofibromatosis, type 1 (NF1). Also called: Peripheral type neurofibromatosis; VON RECKLINGHAUSEN DISEASE; Neurofibromatosis, type I; NEUROFIBROMATOSIS, TYPE I, SOMATIC. Identifiers: Orphanet 636, MedGen C0027831, MONDO:0018975, OMIM 162200. Disease mechanism: loss of function.
Cardiovascular phenotype. Identifiers: MedGen CN230736.
Hereditary cancer-predisposing syndrome. Also called: Hereditary neoplastic syndrome; Neoplastic Syndromes, Hereditary; Hereditary Cancer Syndrome; Tumor predisposition. Identifiers: Orphanet 140162, MedGen C0027672, MeSH D009386, MONDO:0015356.

Allele frequency attached by ClinVar (database versions not stated): gnomAD exomes below 0.00001; gnomAD 0.00001.
gnomAD v4.1: 7 of 1,614,034 alleles (0.00043%); highest among the groups gnomAD compares: Non-Finnish European, 0.00059%; no homozygotes.

Submissions (4):

Labcorp Genetics (formerly Invitae), Labcorp
Classification: Likely benign for Neurofibromatosis, type 1. Last evaluated: 2026-01-31. Review status: criteria provided, single submitter. Criteria: Invitae Variant Classification Sherloc (09022015). Collection method: clinical testing. Allele origin: germline.

Ambry Genetics
Classification: Uncertain significance for Cardiovascular phenotype; Hereditary cancer-predisposing syndrome. Last evaluated: 2025-03-04. Review status: criteria provided, single submitter. Criteria: Ambry Variant Classification Scheme 2023. Collection method: clinical testing. Allele origin: germline.
Comment: The p.N151S variant (also known as c.452A>G), located in coding exon 4 of the NF1 gene, results from an A to G substitution at nucleotide position 452. The asparagine at codon 151 is replaced by serine, an amino acid with highly similar properties. In a Japanese study, this alteration was detected in 0/7051 unselected breast cancer patients and 1/12490 controls (Momozawa Y et al. Nat Commun, 2018 Oct;9:4083). This amino acid position is highly conserved in available vertebrate species. In addition, this alteration is predicted to be tolerated by in silico analysis. Based on the available evidence, the clinical significance of this variant remains unclear.

Genome-Nilou Lab
Classification: Uncertain significance for Neurofibromatosis, type 1. Last evaluated: 2022-03-15. Review status: criteria provided, single submitter. Criteria: ACMG Guidelines, 2015. Collection method: clinical testing. Allele origin: germline. Affected: no.

Fulgent Genetics
Classification: Uncertain significance for Neurofibromatosis, type 1; Neurofibromatosis, familial spinal; Café-au-lait macules with pulmonary stenosis; Neurofibromatosis-Noonan syndrome; Juvenile myelomonocytic leukemia. Last evaluated: 2021-09-21. Review status: criteria provided, single submitter. Criteria: ACMG Guidelines, 2015. Collection method: clinical testing. Allele origin: unknown.

Literature cited by the submitters: PubMed 30287823 (cited by Ambry Genetics).